The following is an entry in ClinVar:

NM_014000.3(VCL):c.1246C>G (p.Arg416Gly)

Gene: VCL (vinculin; plus strand). Cytogenetic location: 10q22.2.
Variant type: single nucleotide variant.
Coding change: c.1246C>G on transcript NM_014000.3 (MANE Select); coding-DNA position 1246, C replaced by G.
Protein change: p.Arg416Gly; replaces arginine 416 with glycine.
Molecular consequence: missense variant.
Genome position (GRCh38, 1-based): chr10:74,090,092, C>G. VCF-style: chr10-74090092-C-G. GRCh37 (hg19) VCF-style: chr10-75849850-C-G.
Other names: c.1246C>G, p.Arg416Gly (NM_003373.4); short protein forms R416G.
Identifiers: ClinVar variation 3717883 (VCV003717883.2).
Genomic context (GRCh38, chr10:74,090,092, plus strand): 5'-GCAGATCCAAATGGTGGACCGGAAGGAGAAGAGCAGATTCGAGGTGCTTTGGCTGAAGCT[C>G]GGAAAATAGCAGAATTATGTGATGATCCTAAAGAAAGAGATGACATTCTACGTTCCCTTG-3'
Protein context (NP_054706.1, residues 406-426): EQIRGALAEA[Arg416Gly]KIAELCDDPK

ClinVar aggregate classification (germline): Uncertain significance (1 of 4 stars; one submission).

Conditions:
Dilated cardiomyopathy 1W (CMD1W). Identifiers: Orphanet 154, MedGen C1969639, MONDO:0012667, OMIM 611407.

Submission:

Labcorp Genetics (formerly Invitae), Labcorp
Classification: Uncertain significance for Dilated cardiomyopathy 1W. Last evaluated: 2024-09-18. Review status: criteria provided, single submitter. Criteria: Invitae Variant Classification Sherloc (09022015). Collection method: clinical testing. Allele origin: germline.
Comment: This sequence change replaces arginine, which is basic and polar, with glycine, which is neutral and non-polar, at codon 416 of the VCL protein (p.Arg416Gly). This variant is not present in population databases (gnomAD no frequency). This variant has not been reported in the literature in individuals affected with VCL-related conditions. An algorithm developed to predict the effect of missense changes on protein structure and function (PolyPhen-2) suggests that this variant is likely to be tolerated. In summary, the available evidence is currently insufficient to determine the role of this variant in disease. Therefore, it has been classified as a Variant of Uncertain Significance.